The following is an entry in ClinVar:

ClinVar aggregate classification (germline): Uncertain significance (1 of 4 stars; one submission).

Conditions:
Osteogenesis imperfecta type 8 (OI8). Identifiers: MedGen C1970458, MONDO:0012581, OMIM 610915.

gnomAD v4.1: 1 of 1,613,898 alleles (0.000062%); highest among the groups gnomAD compares: Non-Finnish European, 0.000085%; no homozygotes.

Submission:

Labcorp Genetics (formerly Invitae), Labcorp
Classification: Uncertain significance for Osteogenesis imperfecta type 8. Last evaluated: 2025-10-08. Review status: criteria provided, single submitter. Criteria: Invitae Variant Classification Sherloc (09022015). Collection method: clinical testing. Allele origin: germline.
Comment: This sequence change replaces asparagine, which is neutral and polar, with lysine, which is basic and polar, at codon 510 of the P3H1 protein (p.Asn510Lys). This variant is present in population databases (rs373146584, gnomAD 0.0009%). This variant has not been reported in the literature in individuals affected with P3H1-related conditions. Invitae Evidence Modeling of protein sequence and biophysical properties (such as structural, functional, and spatial information, amino acid conservation, physicochemical variation, residue mobility, and thermodynamic stability) indicates that this missense variant is not expected to disrupt P3H1 protein function with a negative predictive value of 80%. In summary, the available evidence is currently insufficient to determine the role of this variant in disease. Therefore, it has been classified as a Variant of Uncertain Significance.

NM_022356.4(P3H1):c.1530T>A (p.Asn510Lys)

Gene: P3H1 (prolyl 3-hydroxylase 1; minus strand). Cytogenetic location: 1p34.2.
Variant type: single nucleotide variant.
Coding change: c.1530T>A on transcript NM_022356.4 (MANE Select); coding-DNA position 1530, T replaced by A.
Protein change: p.Asn510Lys; replaces asparagine 510 with lysine.
Molecular consequence: missense variant.
Genome position (GRCh38, 1-based): chr1:42,752,313, A>T on the plus strand (T>A on the coding strand, the complement: P3H1 is on the minus strand). VCF-style: chr1-42752313-A-T. GRCh37 (hg19) VCF-style: chr1-43217984-A-T.
Other names: c.1530T>A, p.Asn510Lys (NM_001146289.2, NM_001243246.2); short protein forms N510K.
Identifiers: ClinVar variation 4772372 (VCV004772372.1).